The following is an entry in ClinVar:

NM_001205293.3(CACNA1E):c.1807A>C (p.Ile603Leu)

Gene: CACNA1E (calcium voltage-gated channel subunit alpha1 E; plus strand). Cytogenetic location: 1q25.3.
Variant type: single nucleotide variant.
Coding change: c.1807A>C on transcript NM_001205293.3 (MANE Select); coding-DNA position 1807, A replaced by C.
Protein change: p.Ile603Leu; replaces isoleucine 603 with leucine.
Molecular consequence: missense variant.
Genome position (GRCh38, 1-based): chr1:181,720,261, A>C. VCF-style: chr1-181720261-A-C. GRCh37 (hg19) VCF-style: chr1-181689397-A-C.
Other names: c.1807A>C, p.Ile603Leu (NM_000721.4, NM_001205294.2); short protein forms I603L.
Identifiers: ClinVar variation 390468 (VCV000390468.7), dbSNP rs778291283, ClinGen allele CA16603493.

ClinVar aggregate classification (germline): Pathogenic/Likely pathogenic. Review status: criteria provided, multiple submitters, no conflicts (2 of 4 stars). 4 submissions from 4 submitters: Pathogenic (1); Likely pathogenic (1). 2 of the submissions do not count toward it. Last evaluated 2022-06-24.

Conditions:
Developmental and epileptic encephalopathy, 69. Also called: EPILEPTIC ENCEPHALOPATHY, EARLY INFANTILE, 69. Identifiers: MedGen C4748988, MONDO:0032657, OMIM 618285.
Developmental and epileptic encephalopathy. Identifiers: MedGen C5779964, MONDO:0100620.

Submissions (4):

Victorian Clinical Genetics Services, Murdoch Childrens Research Institute
Classification: Pathogenic for Developmental and epileptic encephalopathy, 69. Last evaluated: 2022-06-24. Review status: criteria provided, single submitter. Criteria: ACMG Guidelines, 2015. Collection method: clinical testing. Allele origin: germline. Inheritance: Autosomal dominant inheritance. Affected: yes.
Comment: Based on the classification scheme VCGS_Germline_v1.3.4, this variant is classified as Pathogenic. Following criteria are met: 0101 - Gain of function is a known mechanism of disease in this gene and is associated with developmental and epileptic encephalopathy 69 (MIM#618285; PMID: 30343943). (I) 0107 - This gene is associated with autosomal dominant disease. (I) 0200 - Variant is predicted to result in a missense amino acid change from isoleucine to leucine. (I) 0251 - This variant is heterozygous. (I) 0301 - Variant is absent from gnomAD (both v2 and v3). (SP) 0309 - An alternative amino acid change at the same position has been observed in gnomAD (v2: 1 heterozygote, 0 homozygotes). (I) 0502 - Missense variant with conflicting in silico predictions but in a highly conserved residue. (I) 0603 - Missense variant in a region that is highly intolerant to missense variation (high constraint region in DECIPHER) and in the domain II S4-S5 linker region (PMID: 30343943). (SP) 0705 - No comparable missense variants have previous evidence for pathogenicity. (I) 0802 - This variant has moderate previous evidence of pathogenicity in unrelated individuals. This variant has been reported as de novo in a child with focal motor seizures, hypotonia and severe developmental delay (PMID: 30343943). (SP) 0905 - No published segregation evidence has been identified for this variant. Causative CACNA1E variants have been reported as de novo in the published literature. (I) 1002 - Moderate functional evidence supporting abnormal protein function. Patch clamp studies show increased current density and hyperpolarisation shift in tsA201 cells with this variant compared with wild-type (PMID: 30343943). However, patch clamp assays have been shown to be unreliable and therefore, results from these studies are used with caution during variant classification. (I) 1102 - Strong phenotype match for this individual. (SP) Legend: (SP) - Supporting pathogenic, (I) - Information, (SB) - Supporting benign

GeneDx
Classification: Likely pathogenic. Last evaluated: 2016-10-31. Review status: criteria provided, single submitter. Criteria: GeneDx Variant Classification (06012015). Collection method: clinical testing. Allele origin: germline. Affected: yes.
Comment: The confirmed de novo I603L variant has not been published as a pathogenic variant, nor has it been reported as a benign variant to our knowledge. This variant is not observed in large population cohorts (Lek et al., 2016; Exome Variant Server, 2016; McVean et al., 2012). The I603L variant is a conservative amino acid substitution that occurs at a conserved position predicted to be in the intracellular loop between the S4 and S5 transmembrane segments of the second homologous domain. In silico analysis predicts this variant is probably damaging to the protein structure/function. Therefore, this variant is likely pathogenic; however, the possibility that it is benign cannot be excluded.

OMIM
Classification: Pathogenic for DEVELOPMENTAL AND EPILEPTIC ENCEPHALOPATHY 69. Last evaluated: 2020-11-18. Review status: no assertion criteria provided. Collection method: literature only. Allele origin: germline. Not counted in ClinVar's aggregate classification.

Yale Center for Mendelian Genomics, Yale University
Classification: Likely pathogenic for Developmental and epileptic encephalopathy. Last evaluated: 2018-11-01. Review status: no assertion criteria provided. Collection method: literature only. Allele origin: de novo. Affected: yes. Observed: 1 heterozygote. Study: Yale Center for Mendelian Genomics. Not counted in ClinVar's aggregate classification.

Literature cited by the submitters: PubMed 30343943 (cited by 3 submitters).